The following is an entry in ClinVar:

NM_000540.3(RYR1):c.7842C>G (p.Ile2614Met)

Gene: RYR1 (ryanodine receptor 1; plus strand). Cytogenetic location: 19q13.2.
Variant type: single nucleotide variant.
Coding change: c.7842C>G on transcript NM_000540.3 (MANE Select); coding-DNA position 7842, C replaced by G.
Protein change: p.Ile2614Met; replaces isoleucine 2614 with methionine.
Molecular consequence: missense variant.
Genome position (GRCh38, 1-based): chr19:38,502,886, C>G. VCF-style: chr19-38502886-C-G. GRCh37 (hg19) VCF-style: chr19-38993526-C-G.
Other names: c.7842C>G, p.Ile2614Met (NM_001042723.2); short protein forms I2614M.
Identifiers: ClinVar variation 2161191 (VCV002161191.5), dbSNP rs777420696, ClinGen allele CA405673531.

ClinVar aggregate classification (germline): Uncertain significance. Review status: criteria provided, multiple submitters, no conflicts (2 of 4 stars). 2 submissions from 2 submitters: Uncertain significance (2). Last evaluated 2025-09-28.

Conditions:
RYR1-related disorder. Also called: RYR1-related condition; RYR1-related disorders. Identifiers: MedGen CN239331.
Inborn genetic diseases. Identifiers: MedGen C0950123, MeSH D030342.

gnomAD v4.1: 1 of 1,611,020 alleles (0.000062%); highest among the groups gnomAD compares: Non-Finnish European, 0.000085%; no homozygotes.

Submissions (2):

Ambry Genetics
Classification: Uncertain significance for Inborn genetic diseases. Last evaluated: 2025-09-28. Review status: criteria provided, single submitter. Criteria: Ambry Variant Classification Scheme 2023. Collection method: clinical testing. Allele origin: germline.

Labcorp Genetics (formerly Invitae), Labcorp
Classification: Uncertain significance for RYR1-related disorder. Last evaluated: 2023-10-03. Review status: criteria provided, single submitter. Criteria: Invitae Variant Classification Sherloc (09022015). Collection method: clinical testing. Allele origin: germline.
Comment: This sequence change replaces isoleucine, which is neutral and non-polar, with methionine, which is neutral and non-polar, at codon 2614 of the RYR1 protein (p.Ile2614Met). This variant is not present in population databases (gnomAD no frequency). This variant has not been reported in the literature in individuals affected with RYR1-related conditions. ClinVar contains an entry for this variant (Variation ID: 2161191). Advanced modeling of protein sequence and biophysical properties (such as structural, functional, and spatial information, amino acid conservation, physicochemical variation, residue mobility, and thermodynamic stability) performed at Invitae indicates that this missense variant is not expected to disrupt RYR1 protein function. In summary, the available evidence is currently insufficient to determine the role of this variant in disease. Therefore, it has been classified as a Variant of Uncertain Significance.